The following is an entry in ClinVar:

ClinVar aggregate classification (germline): Uncertain significance. Review status: criteria provided, multiple submitters, no conflicts (2 of 4 stars). 2 submissions from 2 submitters: Uncertain significance (2). Last evaluated 2023-08-18.

Allele frequency attached by ClinVar (database versions not stated): ExAC 0.00001; gnomAD 0.00001; gnomAD exomes 0.00001.
gnomAD v4.1: 10 of 1,613,362 alleles (0.00062%); highest among the groups gnomAD compares: African/African-American, 0.0013%; no homozygotes.

Submissions (2):

Labcorp Genetics (formerly Invitae), Labcorp
Classification: Uncertain significance. Last evaluated: 2023-08-18. Review status: criteria provided, single submitter. Criteria: Invitae Variant Classification Sherloc (09022015). Collection method: clinical testing. Allele origin: germline.
Comment: In summary, the available evidence is currently insufficient to determine the role of this variant in disease. Therefore, it has been classified as a Variant of Uncertain Significance. This sequence change replaces arginine, which is basic and polar, with glutamine, which is neutral and polar, at codon 426 of the IMPDH1 protein (p.Arg426Gln). This variant is present in population databases (rs761691047, gnomAD 0.004%). This variant has not been reported in the literature in individuals affected with IMPDH1-related conditions. An algorithm developed to predict the effect of missense changes on protein structure and function (PolyPhen-2) suggests that this variant is likely to be disruptive. Algorithms developed to predict the effect of sequence changes on RNA splicing suggest that this variant may disrupt the consensus splice site.

Blueprint Genetics
Classification: Uncertain significance. Last evaluated: 2022-09-09. Review status: criteria provided, single submitter. Criteria: ACMG Guidelines, 2015. Collection method: clinical testing. Allele origin: germline.

NM_000883.4(IMPDH1):c.1277G>A (p.Arg426Gln)

Gene: IMPDH1 (inosine monophosphate dehydrogenase 1; minus strand). Cytogenetic location: 7q32.1.
Variant type: single nucleotide variant.
Coding change: c.1277G>A on transcript NM_000883.4 (MANE Select); coding-DNA position 1277, G replaced by A.
Protein change: p.Arg426Gln; replaces arginine 426 with glutamine.
Molecular consequence: missense variant.
Genome position (GRCh38, 1-based): chr7:128,395,259, C>T on the plus strand (G>A on the coding strand, the complement: IMPDH1 is on the minus strand). VCF-style: chr7-128395259-C-T. GRCh37 (hg19) VCF-style: chr7-128035313-C-T.
Other names: c.1247G>A, p.Arg416Gln (NM_001102605.2); c.1022G>A, p.Arg341Gln (NM_001142573.2); c.1007G>A, p.Arg336Gln (NM_001142574.2); c.947G>A, p.Arg316Gln (NM_001142575.2); c.1178G>A, p.Arg393Gln (NM_001142576.2); c.1070G>A, p.Arg357Gln (NM_001304521.2); c.1169G>A, p.Arg390Gln (NM_183243.3); short protein forms R316Q, R416Q, R341Q, R357Q, R336Q, R390Q, R393Q, R426Q.
Identifiers: ClinVar variation 2732086 (VCV002732086.4), dbSNP rs761691047, ClinGen allele CA4470874.